The following is an entry in ClinVar:

NM_000533.5(PLP1):c.140T>C (p.Ile47Thr)

Genes: PLP1 (proteolipid protein 1; plus strand), RAB9B (RAB9B, member RAS oncogene family; minus strand). Cytogenetic location: Xq22.2.
Variant type: single nucleotide variant.
Coding change: c.140T>C on transcript NM_000533.5 (MANE Select); coding-DNA position 140, T replaced by C.
Protein change: p.Ile47Thr; replaces isoleucine 47 with threonine.
Molecular consequence: missense variant. On other transcripts: intron variant (1).
Genome position (GRCh38, 1-based): chrX:103,785,717, T>C. VCF-style: chrX-103785717-T-C. GRCh37 (hg19) VCF-style: chrX-103040646-T-C.
Other names: c.140T>C, p.Ile47Thr (NM_001128834.3, NM_199478.3); c.5-30T>C (NM_001305004.1); short protein forms I47T.
Identifiers: ClinVar variation 405941 (VCV000405941.15), dbSNP rs1060500909, ClinGen allele CA16616406.
Genomic context (GRCh38, chrX:103,785,717, plus strand): 5'-TTGGGGTGGCACTGTTCTGTGGCTGTGGACATGAAGCCCTCACTGGCACAGAAAAGCTAA[T>C]TGAGACCTATTTCTCCAAAAACTACCAAGACTATGAGTATCTCATCAATGTGTAAGTACC-3'
Protein context (NP_000524.3, residues 37-57): HEALTGTEKL[Ile47Thr]ETYFSKNYQD

ClinVar aggregate classification (germline): Likely pathogenic. Review status: criteria provided, multiple submitters, no conflicts (2 of 4 stars). 4 submissions from 4 submitters: Likely pathogenic (4). Last evaluated 2021-09-23.

Conditions:
Pelizaeus-Merzbacher disease. Also called: Pelizaeus-Merzbacher spectrum disorder; Pelizaeus-Merzbacher Disease (PMD); Sudanophilic leukodystrophy; LEUKODYSTROPHY, HYPOMYELINATING, 1; Pelizeaus-Merzbacher spectrum disorder. Identifiers: Orphanet 702, MedGen C0205711, MONDO:0010714, OMIM 312080, HP:0003269.
Hereditary spastic paraplegia 2 (SPG2). Also called: Spastic Paraplegia 2 (SPG2); SPASTIC PARAPLEGIA 2, X-LINKED. Identifiers: Orphanet 99015, MedGen C0751604, MONDO:0010733, OMIM 312920.

Submissions (4):

Molecular Diagnostics Lab, Nemours Children's Health, Delaware
Classification: Likely pathogenic for Pelizaeus-Merzbacher disease. Last evaluated: 2021-09-23. Review status: criteria provided, single submitter. Criteria: ACMG Guidelines, 2015. Collection method: clinical testing. Allele origin: unknown. Inheritance: X-linked inheritance. Affected: yes. Observed: 1 hemizygote.
Comment: This missense variant (c.140T>C, p.Ile47Thr) has not been observed in population databases (gnomAD). It has been described in the literature (PMID 24519770, PMID 27179222, PMID 30104812). Variant prediction programs suggest a deleterious effect on the PLP1 protein, but no functional studies have been published. The variant has been shown to segregate with the disease (PMID 24519770, 27179222).

Mayo Clinic Laboratories, Mayo Clinic
Classification: Likely pathogenic for Hereditary spastic paraplegia 2; Pelizaeus-Merzbacher disease. Last evaluated: 2018-06-06. Review status: criteria provided, single submitter. Criteria: ACMG Guidelines, 2015. Collection method: clinical testing. Allele origin: maternal.

Labcorp Genetics (formerly Invitae), Labcorp
Classification: Likely pathogenic for Hereditary spastic paraplegia 2. Last evaluated: 2016-10-03. Review status: criteria provided, single submitter. Criteria: Invitae Variant Classification Sherloc (09022015). Collection method: clinical testing. Allele origin: germline.
Comment: In summary, this variant is a rare missense that segregates with disease in a single family and is predicted to affect protein function. This evidence indicates that the variant is pathogenic, but additional data is needed to prove that conclusively. Therefore, this variant has been classified as Likely Pathogenic. This variant has been reported to segregate with Pelizaeus-Merzbacher disease (PMD) in a single family (PMID: 24519770). Algorithms developed to predict the effect of missense changes on protein structure and function (SIFT, PolyPhen-2, Align-GVGD) all suggest that this variant is likely to be disruptive, but these predictions have not been confirmed by published functional studies. This variant is not present in population databases (ExAC no frequency). This sequence change replaces isoleucine with threonine at codon 47 of the PLP1 protein (p.Ile47Thr). The isoleucine residue is highly conserved and there is a moderate physicochemical difference between isoleucine and threonine.

3billion
Classification: Likely pathogenic for Pelizaeus-Merzbacher disease. Review status: criteria provided, single submitter. Criteria: ACMG Guidelines, 2015. Collection method: clinical testing. Allele origin: unknown. Affected: yes. Observed: 1 hemizygote.
Comment: The missense variant is not observed in the gnomAD v2.1.1 dataset. In silico tool predictions suggest damaging effect of the variant on gene or gene product (REVEL: 0.89; 3Cnet: 0.91). The same nucleotide change resulting in the same amino acid change has been previously reported as pathogenic/likely pathogenic with strong evidence (ClinVar ID: VCV000405941/PMID: 24519770). Therefore, this variant is classified as likely pathogenic according to the recommendation of ACMG/AMP guideline.

Literature cited by the submitters: PubMed 24519770 (cited by 3 submitters); PubMed 27179222 (cited by Molecular Diagnostics Lab, Nemours Children's Health, Delaware); PubMed 30104812 (cited by Molecular Diagnostics Lab, Nemours Children's Health, Delaware).